The following is an entry in ClinVar:

NM_133433.4(NIPBL):c.5313T>A (p.Asp1771Glu)

Gene: NIPBL (NIPBL cohesin loading factor; plus strand). Cytogenetic location: 5p13.2.
Variant type: single nucleotide variant.
Coding change: c.5313T>A on transcript NM_133433.4 (MANE Select); coding-DNA position 5313, T replaced by A.
Protein change: p.Asp1771Glu; replaces aspartic acid 1771 with glutamic acid.
Molecular consequence: missense variant.
Genome position (GRCh38, 1-based): chr5:37,020,862, T>A. VCF-style: chr5-37020862-T-A. GRCh37 (hg19) VCF-style: chr5-37020964-T-A.
Other names: c.5313T>A, p.Asp1771Glu (NM_001438586.1, NM_015384.5); short protein forms D1771E.
Identifiers: ClinVar variation 4821113 (VCV004821113.4).

ClinVar aggregate classification (germline): Uncertain significance (1 of 4 stars; one submission).

Submission:

CeGaT Center for Human Genetics Tuebingen
Classification: Uncertain significance. Last evaluated: 2026-01-01. Review status: criteria provided, single submitter. Criteria: CeGaT Center For Human Genetics Tuebingen Variant Classification Criteria Version 2. Collection method: clinical testing. Allele origin: germline. Affected: yes. Observed: 1 variant allele.
Comment: NIPBL: PM2, PP2